The following is an entry in ClinVar:

NM_017654.4(SAMD9):c.1516A>G (p.Lys506Glu)

Gene: SAMD9 (sterile alpha motif domain containing 9; minus strand). Cytogenetic location: 7q21.2.
Variant type: single nucleotide variant.
Coding change: c.1516A>G on transcript NM_017654.4 (MANE Select); coding-DNA position 1516, A replaced by G.
Protein change: p.Lys506Glu; replaces lysine 506 with glutamic acid.
Molecular consequence: missense variant.
Genome position (GRCh38, 1-based): chr7:93,104,582, T>C on the plus strand (A>G on the coding strand, the complement: SAMD9 is on the minus strand). VCF-style: chr7-93104582-T-C. GRCh37 (hg19) VCF-style: chr7-92733895-T-C.
Other names: c.1516A>G, p.Lys506Glu (NM_001193307.2); short protein forms K506E.
Identifiers: ClinVar variation 3636747 (VCV003636747.2).

ClinVar aggregate classification (germline): Uncertain significance (1 of 4 stars; one submission).

Submission:

Labcorp Genetics (formerly Invitae), Labcorp
Classification: Uncertain significance. Last evaluated: 2024-06-13. Review status: criteria provided, single submitter. Criteria: Invitae Variant Classification Sherloc (09022015). Collection method: clinical testing. Allele origin: germline.
Comment: This sequence change replaces lysine, which is basic and polar, with glutamic acid, which is acidic and polar, at codon 506 of the SAMD9 protein (p.Lys506Glu). This variant is not present in population databases (gnomAD no frequency). This variant has not been reported in the literature in individuals affected with SAMD9-related conditions. Advanced modeling of protein sequence and biophysical properties (such as structural, functional, and spatial information, amino acid conservation, physicochemical variation, residue mobility, and thermodynamic stability) performed at Invitae indicates that this missense variant is not expected to disrupt SAMD9 protein function with a negative predictive value of 95%. In summary, the available evidence is currently insufficient to determine the role of this variant in disease. Therefore, it has been classified as a Variant of Uncertain Significance.